The following is an entry in ClinVar:

ClinVar aggregate classification (germline): Likely benign (0 of 4 stars; one submission).

Conditions:
UNC13A-related disorder. Also called: UNC13A-related condition.

Allele frequency attached by ClinVar (database versions not stated): gnomAD 0.00001; TOPMed 0.00003; ExAC 0.00007.
gnomAD v4.1: 22 of 1,550,014 alleles (0.0014%); highest among the groups gnomAD compares: Admixed American, 0.037%; no homozygotes.

Submission:

PreventionGenetics, part of Exact Sciences
Classification: Likely benign for UNC13A-related condition. Last evaluated: 2023-09-05. Review status: no assertion criteria provided. Collection method: clinical testing. Allele origin: germline.
Comment: This variant is classified as likely benign based on ACMG/AMP sequence variant interpretation guidelines (Richards et al. 2015 PMID: 25741868, with internal and published modifications).

NM_001080421.3(UNC13A):c.4932C>A (p.Ala1644=)

Gene: UNC13A (unc-13 homolog A; minus strand). Cytogenetic location: 19p13.11.
Variant type: single nucleotide variant.
Coding change: c.4932C>A on transcript NM_001080421.3 (MANE Select); coding-DNA position 4932, C replaced by A.
Protein change: p.Ala1644=; no amino-acid change (alanine 1644 retained).
Molecular consequence: synonymous variant.
Genome position (GRCh38, 1-based): chr19:17,606,234, G>T on the plus strand (C>A on the coding strand, the complement: UNC13A is on the minus strand). VCF-style: chr19-17606234-G-T. GRCh37 (hg19) VCF-style: chr19-17717043-G-T.
Other names: c.4920C>A, p.Ala1640= (NM_001387021.1); c.4917C>A, p.Ala1639= (NM_001387022.1); c.4851C>A, p.Ala1617= (NM_001387023.1).
Identifiers: ClinVar variation 3055207 (VCV003055207.2), dbSNP rs770476076, ClinGen allele CA9297519.